The following is an entry in ClinVar:

NM_001351132.2(PEX5):c.140_147+36del

Gene: PEX5 (peroxisomal biogenesis factor 5; plus strand). Cytogenetic location: 12p13.31.
Variant type: Deletion.
Coding change: c.140_147+36del on transcript NM_001351132.2 (MANE Select); coding-DNA position 140 through 36 bases into the intron after coding-DNA position 147, 44 bases deleted.
Molecular consequence: splice donor variant. On other transcripts: frameshift variant (3).
Genome position (GRCh38, 1-based): chr12:7,190,517-7,190,560, 44 bases deleted. GRCh37 (hg19): chr12:7,343,113-7,343,156.
Other names: NM_001374649.2:c.140_147+36del; c.140_183del, p.Ser47fs (NM_001131023.2, NM_001351135.3, NM_001351138.2); c.140_147+36del (NM_001351124.3, NM_001131026.2, NM_001351131.2 and 19 more transcripts); short protein forms S47fs.
Identifiers: ClinVar variation 2412728 (VCV002412728.1), dbSNP rs1230627309, ClinGen allele CA603488646.
Genomic context (GRCh38, chr12:7,190,516, plus strand): 5'-GACAAGGCCCTTCGGCAGGAGGGATTGAGGCCTGGCCCCTGGCCCCCCGGAGCCCCGGCC[TCTGAGGCAGTGAGTGTTCTTGAGGTGGAAAGCCCAGGTGCAGCC>T]TCTGAGGCAGTGAGTGTTCTTGAGGTGGAAAGCCCAGGTGCAGCCTCTGAGGCAGTGAGT-3'

ClinVar aggregate classification (germline): Uncertain significance (1 of 4 stars; one submission).

Conditions:
Peroxisome biogenesis disorder due to PEX5 defect. Identifiers: MedGen CN305478, MONDO:0100262.

Submission:

Broad Center for Mendelian Genomics, Broad Institute of MIT and Harvard
Classification: Uncertain significance for Peroxisome biogenesis disorder due to PEX5 defect. Last evaluated: 2023-01-25. Review status: criteria provided, single submitter. Criteria: ACMG Guidelines, 2015. Collection method: curation. Allele origin: germline. Inheritance: Autosomal recessive inheritance.
Comment: The c.203_210+36del variant in PEX5 has not been previously reported in individuals with peroxisome biogenesis disorder 2B but has been identified in 0.009% (1/11348) of East Asian chromosomes by the Genome Aggregation Database (gnomAD; dbSNP ID: rs1230627309). Although this variant has been seen in the general population in a heterozygous state, its frequency is low enough to be consistent with a recessive carrier frequency. This variant is located in the 5' splice region. Computational tools do suggest an impact to splicing. However, this information is not predictive enough to determine pathogenicity. In summary, the clinical significance of the c.203_210+36del variant is uncertain. ACMG/AMP Criteria applied: PM2_Supporting, PP3 (Richards 2015).